The following is an entry in ClinVar:

ClinVar aggregate classification (germline): Uncertain significance. Review status: criteria provided, multiple submitters, no conflicts (2 of 4 stars). 4 submissions from 4 submitters: Uncertain significance (4). Last evaluated 2026-03-27.

Conditions:
TNXB-related disorder. Also called: TNXB-related condition.
Cardiovascular phenotype. Identifiers: MedGen CN230736.

Allele frequency attached by ClinVar (database versions not stated): ExAC 0.00001; TOPMed 0.00006; gnomAD exomes 0.00007; gnomAD 0.00009.
gnomAD v4.1: 110 of 1,599,170 alleles (0.0069%); highest among the groups gnomAD compares: Non-Finnish European, 0.0094%; no homozygotes.

Submissions (4):

GeneDx
Classification: Uncertain significance. Last evaluated: 2026-03-27. Review status: criteria provided, single submitter. Criteria: GeneDx Variant Classification Process June 2021. Collection method: clinical testing. Allele origin: germline.
Comment: In silico analysis supports that this missense variant has a deleterious effect on protein structure/function; Has not been previously published as pathogenic or benign to our knowledge

Women's Health and Genetics/Laboratory Corporation of America, LabCorp
Classification: Uncertain significance. Last evaluated: 2025-11-18. Review status: criteria provided, single submitter. Criteria: LabCorp Variant Classification Summary - May 2015. Collection method: clinical testing. Allele origin: germline.
Comment: Variant summary: TNXB c.10400G>T (p.Trp3467Leu) results in a non-conservative amino acid change in the encoded protein sequence. Algorithms developed to predict the effect of missense changes on protein structure and function all suggest that this variant is likely to be disruptive. The variant allele was found at a frequency of 1.6e-05 in 243280 control chromosomes. The available data on variant occurrences in the general population are insufficient to allow any conclusion about variant significance. To our knowledge, no occurrence of c.10400G>T in individuals affected with TNXB-related conditions and no experimental evidence demonstrating its impact on protein function have been reported. ClinVar contains an entry for this variant (Variation ID: 1773870). Based on the evidence outlined above, the variant was classified as uncertain significance.

Ambry Genetics
Classification: Uncertain significance for Cardiovascular phenotype. Last evaluated: 2025-08-04. Review status: criteria provided, single submitter. Criteria: Ambry Variant Classification Scheme 2023. Collection method: clinical testing. Allele origin: germline.

PreventionGenetics, part of Exact Sciences
Classification: Uncertain significance for TNXB-related condition. Last evaluated: 2023-09-29. Review status: criteria provided, single submitter. Criteria: ACMG Guidelines, 2015. Collection method: clinical testing. Allele origin: germline.
Comment: The TNXB c.10400G>T variant is predicted to result in the amino acid substitution p.Trp3467Leu. To our knowledge, this variant has not been reported in the literature. This variant is reported in 0.0064% of alleles in individuals of European (Non-Finnish) descent in gnomAD. At this time, the clinical significance of this variant is uncertain due to the absence of conclusive functional and genetic evidence.

NM_001365276.2(TNXB):c.10406G>T (p.Trp3469Leu)

Gene: TNXB (tenascin XB; minus strand). Cytogenetic location: 6p21.33.
Variant type: single nucleotide variant.
Coding change: c.10406G>T on transcript NM_001365276.2 (MANE Select); coding-DNA position 10406, G replaced by T.
Protein change: p.Trp3469Leu; replaces tryptophan 3469 with leucine.
Molecular consequence: missense variant.
Genome position (GRCh38, 1-based): chr6:32,046,375, C>A on the plus strand (G>T on the coding strand, the complement: TNXB is on the minus strand). VCF-style: chr6-32046375-C-A. GRCh37 (hg19) VCF-style: chr6-32014152-C-A.
Other names: c.10400G>T, p.Trp3467Leu (NM_019105.8); short protein forms W3467L, W3469L.
Identifiers: ClinVar variation 1773870 (VCV001773870.7), dbSNP rs561570384, ClinGen allele CA3733234.